The following is an entry in ClinVar:

ClinVar aggregate classification (germline): Benign (0 of 4 stars; one submission).

Conditions:
DAAM2-related disorder. Also called: DAAM2-related condition.

Allele frequency attached by ClinVar (database versions not stated): ExAC 0.01164; gnomAD 0.02133; ESP Exome Variant Server 0.02180; 1000 Genomes Project 0.02436; TOPMed 0.02464; 1000 Genomes Project 30x 0.02748.
gnomAD v4.1: 6,232 of 1,578,800 alleles (0.39%); highest among the groups gnomAD compares: African/African-American, 7.3%; 213 homozygotes.

Submission:

PreventionGenetics, part of Exact Sciences
Classification: Benign for DAAM2-related condition. Last evaluated: 2019-10-15. Review status: no assertion criteria provided. Collection method: clinical testing. Allele origin: germline.
Comment: This variant is classified as benign based on ACMG/AMP sequence variant interpretation guidelines (Richards et al. 2015 PMID: 25741868, with internal and published modifications).

NM_001201427.2(DAAM2):c.774C>T (p.Asn258=)

Gene: DAAM2 (dishevelled associated activator of morphogenesis 2; plus strand). Cytogenetic location: 6p21.2.
Variant type: single nucleotide variant.
Coding change: c.774C>T on transcript NM_001201427.2 (MANE Select); coding-DNA position 774, C replaced by T.
Protein change: p.Asn258=; no amino-acid change (asparagine 258 retained).
Molecular consequence: synonymous variant.
Genome position (GRCh38, 1-based): chr6:39,868,834, C>T. VCF-style: chr6-39868834-C-T. GRCh37 (hg19) VCF-style: chr6-39836610-C-T.
Other names: c.774C>T, p.Asn258= (NM_015345.4).
Identifiers: ClinVar variation 3056284 (VCV003056284.2), dbSNP rs34941067, ClinGen allele CA3794791.